The following is an entry in ClinVar:

NM_000135.4(FANCA):c.4000G>C (p.Ala1334Pro)

Genes: FANCA (FA complementation group A; minus strand), ZNF276 (zinc finger protein 276; plus strand). Cytogenetic location: 16q24.3.
Variant type: single nucleotide variant.
Coding change: c.4000G>C on transcript NM_000135.4 (MANE Select); coding-DNA position 4000, G replaced by C.
Protein change: p.Ala1334Pro; replaces alanine 1334 with proline.
Molecular consequence: missense variant. On other transcripts: 3 prime UTR variant (2), non-coding transcript variant (4).
Genome position (GRCh38, 1-based): chr16:89,739,488, C>G on the plus strand (G>C on the coding strand, the complement: FANCA is on the minus strand). VCF-style: chr16-89739488-C-G. GRCh37 (hg19) VCF-style: chr16-89805896-C-G.
Other names: c.4000G>C, p.Ala1334Pro (NM_001286167.3); c.*1242C>G (NM_001113525.2, NM_152287.4); short protein forms A1334P.
Identifiers: ClinVar variation 4870803 (VCV004870803.1).

ClinVar aggregate classification (germline): Uncertain significance (1 of 4 stars; one submission).

Conditions:
Inborn genetic diseases. Identifiers: MedGen C0950123, MeSH D030342.

gnomAD v4.1: 2 of 1,551,092 alleles (0.00013%); highest among the groups gnomAD compares: Non-Finnish European, 0.00017%; no homozygotes.

Submission:

Ambry Genetics
Classification: Uncertain significance for Inborn genetic diseases. Last evaluated: 2026-03-28. Review status: criteria provided, single submitter. Criteria: Ambry Variant Classification Scheme 2023. Collection method: clinical testing. Allele origin: germline.
Comment: The p.A1334P variant (also known as c.4000G>C), located in coding exon 40 of the FANCA gene, results from a G to C substitution at nucleotide position 4000. The alanine at codon 1334 is replaced by proline, an amino acid with highly similar properties. This amino acid position is conserved. In addition, this alteration is predicted to be deleterious by in silico analysis. Based on the available evidence, the clinical significance of this variant remains unclear.